The following is an entry in ClinVar:

NM_004259.7(RECQL5):c.1586-8C>A

Gene: RECQL5 (RecQ like helicase 5; minus strand). Cytogenetic location: 17q25.1.
Variant type: single nucleotide variant.
Coding change: c.1586-8C>A on transcript NM_004259.7 (MANE Select); 8 bases into the intron before coding-DNA position 1586, C replaced by A.
Molecular consequence: intron variant.
Genome position (GRCh38, 1-based): chr17:75,630,845, G>T on the plus strand (C>A on the coding strand, the complement: RECQL5 is on the minus strand). VCF-style: chr17-75630845-G-T. GRCh37 (hg19) VCF-style: chr17-73626925-G-T.
Other names: NC_000017.10:g.73626925G>T.
Identifiers: ClinVar variation 3043800 (VCV003043800.3), dbSNP rs74632503, ClinGen allele CA8767388.
Genomic context (GRCh38, chr17:75,630,845, plus strand): 5'-AGTCAGCCTGGGGATCCTCCTGCTAGAAGCCTCTTTCAGGGGACAGTTCTCATCTGTGGG[G>T]GGGGGGGGTGGTCCTTGGTCCTTTCGCTCCACCTTCTGCGCTCTGAGGTCCCCCACAGCC-3'

ClinVar aggregate classification (germline): Benign (0 of 4 stars; one submission).

Conditions:
RECQL5-related disorder. Also called: RECQL5-related condition.

Allele frequency attached by ClinVar (database versions not stated): 1000 Genomes Project 0.00220.
gnomAD v4.1: 3,874 of 1,396,154 alleles (0.28%); highest among the groups gnomAD compares: East Asian, 0.56%; 64 homozygotes.

Submissions (20):

PreventionGenetics, part of Exact Sciences
Classification: Benign for RECQL5-related condition. Last evaluated: 2020-01-02. Review status: no assertion criteria provided. Collection method: clinical testing. Allele origin: germline.
Comment: This variant is classified as benign based on ACMG/AMP sequence variant interpretation guidelines (Richards et al. 2015 PMID: 25741868, with internal and published modifications).

Dr. Peter K. Rogan Lab, Western University
No classification provided (evidence only). Condition: Clear cell carcinoma of kidney. Review status: no classification provided. Collection method: in vitro. Allele origin: not applicable. Functional consequence: retained intron. Not counted in ClinVar's aggregate classification.

Dr. Peter K. Rogan Lab, Western University
No classification provided (evidence only). Condition: Lung cancer. Review status: no classification provided. Collection method: in vitro. Allele origin: not applicable. Functional consequence: retained intron. Not counted in ClinVar's aggregate classification.

Dr. Peter K. Rogan Lab, Western University
No classification provided (evidence only). Condition: Familial cancer of breast. Review status: no classification provided. Collection method: in vitro. Allele origin: not applicable. Functional consequence: retained intron. Not counted in ClinVar's aggregate classification.

Dr. Peter K. Rogan Lab, Western University
No classification provided (evidence only). Condition: Familial cancer of breast. Review status: no classification provided. Collection method: in vitro. Allele origin: not applicable. Functional consequence: retained intron. Not counted in ClinVar's aggregate classification.

Dr. Peter K. Rogan Lab, Western University
No classification provided (evidence only). Condition: Familial cancer of breast. Review status: no classification provided. Collection method: in vitro. Allele origin: not applicable. Functional consequence: retained intron. Not counted in ClinVar's aggregate classification.

Dr. Peter K. Rogan Lab, Western University
No classification provided (evidence only). Condition: Familial cancer of breast. Review status: no classification provided. Collection method: in vitro. Allele origin: not applicable. Functional consequence: retained intron. Not counted in ClinVar's aggregate classification.

Dr. Peter K. Rogan Lab, Western University
No classification provided (evidence only). Condition: Familial cancer of breast. Review status: no classification provided. Collection method: in vitro. Allele origin: not applicable. Functional consequence: retained intron. Not counted in ClinVar's aggregate classification.

Dr. Peter K. Rogan Lab, Western University
No classification provided (evidence only). Condition: Familial cancer of breast. Review status: no classification provided. Collection method: in vitro. Allele origin: not applicable. Functional consequence: retained intron. Not counted in ClinVar's aggregate classification.

Dr. Peter K. Rogan Lab, Western University
No classification provided (evidence only). Condition: Familial cancer of breast. Review status: no classification provided. Collection method: in vitro. Allele origin: not applicable. Functional consequence: retained intron. Not counted in ClinVar's aggregate classification.

Dr. Peter K. Rogan Lab, Western University
No classification provided (evidence only). Condition: Familial cancer of breast. Review status: no classification provided. Collection method: in vitro. Allele origin: not applicable. Functional consequence: retained intron. Not counted in ClinVar's aggregate classification.

Dr. Peter K. Rogan Lab, Western University
No classification provided (evidence only). Condition: Acute myeloid leukemia. Review status: no classification provided. Collection method: in vitro. Allele origin: not applicable. Functional consequence: retained intron. Not counted in ClinVar's aggregate classification.

Dr. Peter K. Rogan Lab, Western University
No classification provided (evidence only). Condition: Acute myeloid leukemia. Review status: no classification provided. Collection method: in vitro. Allele origin: not applicable. Functional consequence: retained intron. Not counted in ClinVar's aggregate classification.

Dr. Peter K. Rogan Lab, Western University
No classification provided (evidence only). Condition: Cervical cancer. Review status: no classification provided. Collection method: in vitro. Allele origin: not applicable. Functional consequence: retained intron. Not counted in ClinVar's aggregate classification.

Dr. Peter K. Rogan Lab, Western University
No classification provided (evidence only). Condition: Sarcoma. Review status: no classification provided. Collection method: in vitro. Allele origin: not applicable. Functional consequence: retained intron. Not counted in ClinVar's aggregate classification.

Dr. Peter K. Rogan Lab, Western University
No classification provided (evidence only). Condition: Malignant lymphoma, large B-cell, diffuse. Review status: no classification provided. Collection method: in vitro. Allele origin: not applicable. Functional consequence: retained intron. Not counted in ClinVar's aggregate classification.

Dr. Peter K. Rogan Lab, Western University
No classification provided (evidence only). Condition: Cholangiocarcinoma. Review status: no classification provided. Collection method: in vitro. Allele origin: not applicable. Functional consequence: retained intron. Not counted in ClinVar's aggregate classification.

Dr. Peter K. Rogan Lab, Western University
No classification provided (evidence only). Condition: Gastric cancer. Review status: no classification provided. Collection method: in vitro. Allele origin: not applicable. Functional consequence: retained intron. Not counted in ClinVar's aggregate classification.

Dr. Peter K. Rogan Lab, Western University
No classification provided (evidence only). Condition: Gastric cancer. Review status: no classification provided. Collection method: in vitro. Allele origin: not applicable. Functional consequence: retained intron. Not counted in ClinVar's aggregate classification.

Dr. Peter K. Rogan Lab, Western University
No classification provided (evidence only). Condition: Gastric cancer. Review status: no classification provided. Collection method: in vitro. Allele origin: not applicable. Functional consequence: retained intron. Not counted in ClinVar's aggregate classification.